The following is an entry in ClinVar:

ClinVar aggregate classification (germline): Uncertain significance (1 of 4 stars; one submission).

Conditions:
Duchenne muscular dystrophy (DMD). Also called: Duchenne Muscular Dystrophy (DMD); MUSCULAR DYSTROPHY, PSEUDOHYPERTROPHIC PROGRESSIVE, DUCHENNE TYPE. Identifiers: Orphanet 98896, MedGen C0013264, MONDO:0010679, OMIM 310200.

gnomAD v4.1: 1 of 1,207,918 alleles (0.000083%); highest among the groups gnomAD compares: Non-Finnish European, 0.00011%; no homozygotes.

Submission:

Labcorp Genetics (formerly Invitae), Labcorp
Classification: Uncertain significance for Duchenne muscular dystrophy. Last evaluated: 2024-04-29. Review status: criteria provided, single submitter. Criteria: Invitae Variant Classification Sherloc (09022015). Collection method: clinical testing. Allele origin: germline.
Comment: This sequence change replaces glycine, which is neutral and non-polar, with glutamic acid, which is acidic and polar, at codon 1804 of the DMD protein (p.Gly1804Glu). This variant is not present in population databases (gnomAD no frequency). This variant has not been reported in the literature in individuals affected with DMD-related conditions. Advanced modeling of protein sequence and biophysical properties (such as structural, functional, and spatial information, amino acid conservation, physicochemical variation, residue mobility, and thermodynamic stability) performed at Invitae indicates that this missense variant is not expected to disrupt DMD protein function with a negative predictive value of 95%. In summary, the available evidence is currently insufficient to determine the role of this variant in disease. Therefore, it has been classified as a Variant of Uncertain Significance.

NM_004006.3(DMD):c.5411G>A (p.Gly1804Glu)

Gene: DMD (dystrophin; minus strand). Cytogenetic location: Xp21.1.
Variant type: single nucleotide variant.
Coding change: c.5411G>A on transcript NM_004006.3 (MANE Select); coding-DNA position 5411, G replaced by A.
Protein change: p.Gly1804Glu; replaces glycine 1804 with glutamic acid.
Molecular consequence: missense variant.
Genome position (GRCh38, 1-based): chrX:32,348,443, C>T on the plus strand (G>A on the coding strand, the complement: DMD is on the minus strand). VCF-style: chrX-32348443-C-T. GRCh37 (hg19) VCF-style: chrX-32366560-C-T.
Other names: c.5387G>A, p.Gly1796Glu (NM_000109.4); c.5399G>A, p.Gly1800Glu (NM_004009.3); c.5042G>A, p.Gly1681Glu (NM_004010.3); c.1388G>A, p.Gly463Glu (NM_004011.4); c.1379G>A, p.Gly460Glu (NM_004012.4); short protein forms G1804E, G463E, G1800E, G460E, G1681E, G1796E.
Identifiers: ClinVar variation 3719637 (VCV003719637.1).